The following is an entry in ClinVar:

NM_025074.7(FRAS1):c.3523G>A (p.Glu1175Lys)

Gene: FRAS1 (Fraser extracellular matrix complex subunit 1; plus strand). Cytogenetic location: 4q21.21.
Variant type: single nucleotide variant.
Coding change: c.3523G>A on transcript NM_025074.7 (MANE Select); coding-DNA position 3523, G replaced by A.
Protein change: p.Glu1175Lys; replaces glutamic acid 1175 with lysine.
Molecular consequence: missense variant.
Genome position (GRCh38, 1-based): chr4:78,379,956, G>A. VCF-style: chr4-78379956-G-A. GRCh37 (hg19) VCF-style: chr4-79301110-G-A.
Other names: c.3523G>A, p.Glu1175Lys (NM_001166133.2); short protein forms E1175K.
Identifiers: ClinVar variation 285036 (VCV000285036.7), dbSNP rs746130442, ClinGen allele CA2976935.

ClinVar aggregate classification (germline): Uncertain significance. Review status: criteria provided, multiple submitters, no conflicts (2 of 4 stars). 3 submissions from 3 submitters: Uncertain significance (3). Last evaluated 2025-05-27.

Conditions:
Fraser syndrome 1 (FRASRS1). Also called: CRYPTOPHTHALMOS WITH OTHER MALFORMATIONS. Identifiers: Orphanet 2052, MedGen C4551480, MONDO:0054737, OMIM 219000.

Allele frequency attached by ClinVar (database versions not stated): ExAC 0.00001; gnomAD 0.00001; gnomAD exomes 0.00002; TOPMed 0.00002.
gnomAD v4.1: 14 of 1,613,478 alleles (0.00087%); highest among the groups gnomAD compares: East Asian, 0.0045%; no homozygotes.

Submissions (3):

Labcorp Genetics (formerly Invitae), Labcorp
Classification: Uncertain significance. Last evaluated: 2025-05-27. Review status: criteria provided, single submitter. Criteria: Invitae Variant Classification Sherloc (09022015). Collection method: clinical testing. Allele origin: germline.
Comment: This sequence change replaces glutamic acid, which is acidic and polar, with lysine, which is basic and polar, at codon 1175 of the FRAS1 protein (p.Glu1175Lys). This variant is present in population databases (rs746130442, gnomAD 0.004%). This variant has not been reported in the literature in individuals affected with FRAS1-related conditions. ClinVar contains an entry for this variant (Variation ID: 285036). An algorithm developed to predict the effect of missense changes on protein structure and function (PolyPhen-2) suggests that this variant is likely to be tolerated. In summary, the available evidence is currently insufficient to determine the role of this variant in disease. Therefore, it has been classified as a Variant of Uncertain Significance.

Fulgent Genetics
Classification: Uncertain significance for Fraser syndrome 1. Last evaluated: 2021-09-07. Review status: criteria provided, single submitter. Criteria: ACMG Guidelines, 2015. Collection method: clinical testing. Allele origin: unknown.

Eurofins Ntd Llc (ga)
Classification: Uncertain significance. Last evaluated: 2015-12-10. Review status: criteria provided, single submitter. Criteria: EGL Classification Definitions 2015. Collection method: clinical testing. Allele origin: germline. Observed: 1 variant allele, 1 heterozygote.